The following is an entry in ClinVar:

ClinVar aggregate classification (germline): Uncertain significance (1 of 4 stars; one submission).

Conditions:
Progressive myoclonic epilepsy. Also called: Familial progressive myoclonic epilepsy; Myoclonus epilepsy; Progressive myoclonus epilepsy; Myoclonic Epilepsies, Progressive. Identifiers: Orphanet 308, Orphanet 98261, MedGen C0751778, MONDO:0020074.

Allele frequency attached by ClinVar (database versions not stated): gnomAD 0.00001.
gnomAD v4.1: 1 of 1,613,816 alleles (0.000062%); highest among the groups gnomAD compares: African/African-American, 0.0013%; no homozygotes.

Submission:

Labcorp Genetics (formerly Invitae), Labcorp
Classification: Uncertain significance for Progressive myoclonic epilepsy. Last evaluated: 2019-11-04. Review status: criteria provided, single submitter. Criteria: Invitae Variant Classification Sherloc (09022015). Collection method: clinical testing. Allele origin: germline.
Comment: This sequence change replaces proline with leucine at codon 88 of the SCARB2 protein (p.Pro88Leu). The proline residue is highly conserved and there is a moderate physicochemical difference between proline and leucine. This variant is not present in population databases (ExAC no frequency). This variant has not been reported in the literature in individuals with SCARB2-related conditions. Algorithms developed to predict the effect of missense changes on protein structure and function (SIFT, PolyPhen-2, Align-GVGD) all suggest that this variant is likely to be disruptive, but these predictions have not been confirmed by published functional studies and their clinical significance is uncertain. In summary, the available evidence is currently insufficient to determine the role of this variant in disease. Therefore, it has been classified as a Variant of Uncertain Significance.

NM_005506.4(SCARB2):c.263C>T (p.Pro88Leu)

Gene: SCARB2 (scavenger receptor class B member 2; minus strand). Cytogenetic location: 4q21.1.
Variant type: single nucleotide variant.
Coding change: c.263C>T on transcript NM_005506.4 (MANE Select); coding-DNA position 263, C replaced by T.
Protein change: p.Pro88Leu; replaces proline 88 with leucine.
Molecular consequence: missense variant.
Genome position (GRCh38, 1-based): chr4:76,195,719, G>A on the plus strand (C>T on the coding strand, the complement: SCARB2 is on the minus strand). VCF-style: chr4-76195719-G-A. GRCh37 (hg19) VCF-style: chr4-77116872-G-A.
Other names: c.263C>T, p.Pro88Leu (NM_001204255.2); short protein forms P88L.
Identifiers: ClinVar variation 966880 (VCV000966880.9), dbSNP rs1732696835, ClinGen allele CA357327450.